The following is an entry in ClinVar:

ClinVar aggregate classification (germline): Uncertain significance (1 of 4 stars; one submission).

Conditions:
Immunodeficiency. Identifiers: MedGen C0021051, MONDO:0021094, HP:0002721.

gnomAD v4.1: 4 of 1,605,988 alleles (0.00025%); highest among the groups gnomAD compares: Non-Finnish European, 0.00025%; no homozygotes.

Submission:

Labcorp Genetics (formerly Invitae), Labcorp
Classification: Uncertain significance for Immunodeficiency. Last evaluated: 2025-05-30. Review status: criteria provided, single submitter. Criteria: Invitae Variant Classification Sherloc (09022015). Collection method: clinical testing. Allele origin: germline.
Comment: This sequence change replaces isoleucine, which is neutral and non-polar, with methionine, which is neutral and non-polar, at codon 371 of the NFAT5 protein (p.Ile371Met). This variant is not present in population databases (gnomAD no frequency). This variant has not been reported in the literature in individuals affected with NFAT5-related conditions. An algorithm developed to predict the effect of missense changes on protein structure and function (PolyPhen-2) suggests that this variant is likely to be disruptive. In summary, the available evidence is currently insufficient to determine the role of this variant in disease. Therefore, it has been classified as a Variant of Uncertain Significance.

NM_138713.4(NFAT5):c.1395C>G (p.Ile465Met)

Gene: NFAT5 (nuclear factor of activated T cells 5; plus strand). Cytogenetic location: 16q22.1.
Variant type: single nucleotide variant.
Coding change: c.1395C>G on transcript NM_138713.4 (MANE Select); coding-DNA position 1395, C replaced by G.
Protein change: p.Ile465Met; replaces isoleucine 465 with methionine.
Molecular consequence: missense variant.
Genome position (GRCh38, 1-based): chr16:69,670,002, C>G. VCF-style: chr16-69670002-C-G. GRCh37 (hg19) VCF-style: chr16-69703905-C-G.
Other names: c.723C>G, p.Ile241Met (NM_001367709.1); c.1341C>G, p.Ile447Met (NM_006599.4); c.1113C>G, p.Ile371Met (NM_138714.4, NM_173214.3, NM_173215.3); c.1395C>G, p.Ile465Met (NM_001113178.3); short protein forms I241M, I371M, I447M, I465M.
Identifiers: ClinVar variation 4764884 (VCV004764884.1).